The following is an entry in ClinVar:

NM_000368.5(TSC1):c.1826_1827del (p.Glu609fs)

Gene: TSC1 (TSC complex subunit 1; minus strand). Cytogenetic location: 9q34.13.
Variant type: Deletion.
Coding change: c.1826_1827del on transcript NM_000368.5 (MANE Select); coding-DNA positions 1826 to 1827, 2 bases deleted (AG; older notation c.1826_1827delAG).
Protein change: p.Glu609fs; shifts the reading frame from glutamic acid 609.
Molecular consequence: frameshift variant. On other transcripts: non-coding transcript variant (5).
Genome position (GRCh38, 1-based): chr9:132,905,751-132,905,752, CT deleted on the plus strand (AG on the coding strand, the reverse complement: TSC1 is on the minus strand); deleting any 2 consecutive bases within chr9:132,905,751-132,905,753 gives the same sequence; the c. name uses the placement nearest the transcript's 3' end. VCF-style (leftmost placement, unchanged base first): chr9-132905750-CCT-C. GRCh37 (hg19) VCF-style: chr9-135781137-CCT-C.
Other names: c.1823_1824del, p.Glu608fs (NM_001162426.2, NM_001406597.1, NM_001406598.1 and 6 more transcripts); c.1673_1674del, p.Glu558fs (NM_001162427.2, NM_001406610.1); c.1463_1464del, p.Glu488fs (NM_001362177.2, NM_001406614.1, NM_001406615.1 and 5 more transcripts); c.1826_1827del, p.Glu609fs (NM_001406592.1, NM_001406593.1, NM_001406594.1 and 7 more transcripts); c.1460_1461del, p.Glu487fs (NM_001406620.1, NM_001406621.1, NM_001406622.1 and 2 more transcripts); c.875_876del, p.Glu292fs (NM_001406626.1); c.872_873del, p.Glu291fs (NM_001406627.1, NM_001406628.1); c.773_774del, p.Glu258fs (NM_001406629.1, NM_001406630.1); and 1 more; short protein forms E291fs, E557fs, E558fs, E487fs, E488fs, E258fs, E608fs, E292fs.
Identifiers: ClinVar variation 3652195 (VCV003652195.2).
Genomic context (GRCh38, chr9:132,905,750, plus strand): 5'-TCTTTAACAGCTCCTCAGTCTTCCTGATGACAAAATGATGGGCTGTCTTTGGCAATGCCA[CCT>C]CAAAAAGATGATCATACGGGGGAGGCTGCCCGCTTCCAAAGCCCACTCTCGTCGGAGGTG-3'

ClinVar aggregate classification (germline): Pathogenic (1 of 4 stars; one submission).

Conditions:
Tuberous sclerosis 1 (TSC1). Identifiers: Orphanet 805, MedGen C1854465, MONDO:0008612, OMIM 191100.

Submission:

Labcorp Genetics (formerly Invitae), Labcorp
Classification: Pathogenic for Tuberous sclerosis 1. Last evaluated: 2024-05-05. Review status: criteria provided, single submitter. Criteria: Invitae Variant Classification Sherloc (09022015). Collection method: clinical testing. Allele origin: germline.
Comment: This sequence change creates a premature translational stop signal (p.Glu609Glyfs*16) in the TSC1 gene. It is expected to result in an absent or disrupted protein product. Loss-of-function variants in TSC1 are known to be pathogenic (PMID: 10227394, 17304050). This variant is not present in population databases (gnomAD no frequency). This variant has not been reported in the literature in individuals affected with TSC1-related conditions. For these reasons, this variant has been classified as Pathogenic.

Literature cited by the submitters: PubMed 10227394; PubMed 17304050.